The following is an entry in ClinVar:

ClinVar aggregate classification (germline): Benign/Likely benign. Review status: criteria provided, multiple submitters, no conflicts (2 of 4 stars). 7 submissions from 7 submitters: Benign (1); Likely benign (4). 2 of the submissions do not count toward it. Last evaluated 2026-01-24.

Conditions:
RYR1-related disorder. Also called: RYR1-related condition; RYR1-related disorders. Identifiers: MedGen CN239331.
Malignant hyperthermia, susceptibility to, 1 (MHS1). Also called: Malignant hyperthermia suceptibility 1; Anesthesia related hyperthermia; Malignant hyperpyrexia; Fulminating hyperpyrexia; Pharmacogenic myopathy; RYR1-Related Malignant Hyperthermia Susceptibility. Identifiers: Orphanet 423, MedGen C2930980, MONDO:0007783, OMIM 145600.

Allele frequency attached by ClinVar (database versions not stated): gnomAD 0.00049 and 0.00046; gnomAD exomes 0.00064 and 0.00081; ExAC 0.00066; ESP Exome Variant Server 0.00077; 1000 Genomes Project 30x 0.00016; 1000 Genomes Project 0.00020.
gnomAD v4.1: 1,094 of 1,416,896 alleles (0.077%); highest among the groups gnomAD compares: Middle Eastern, 0.14%; 1 homozygote.

Submissions (7):

Labcorp Genetics (formerly Invitae), Labcorp
Classification: Benign for RYR1-related disorder. Last evaluated: 2026-01-24. Review status: criteria provided, single submitter. Criteria: Invitae Variant Classification Sherloc (09022015). Collection method: clinical testing. Allele origin: germline.

CeGaT Center for Human Genetics Tuebingen
Classification: Likely benign. Last evaluated: 2025-11-01. Review status: criteria provided, single submitter. Criteria: CeGaT Center For Human Genetics Tuebingen Variant Classification Criteria Version 2. Collection method: clinical testing. Allele origin: germline. Affected: yes. Observed: 3 variant alleles.
Comment: RYR1: BP4, BP7

Blueprint Genetics
Classification: Likely benign. Last evaluated: 2024-11-04. Review status: criteria provided, single submitter. Criteria: ACMG Guidelines, 2015. Collection method: clinical testing. Allele origin: germline.

Color Diagnostics, LLC DBA Color Health
Classification: Likely benign for Malignant hyperthermia, susceptibility to, 1. Last evaluated: 2022-11-06. Review status: criteria provided, single submitter. Criteria: ACMG Guidelines, 2015. Collection method: clinical testing. Allele origin: germline.

GeneDx
Classification: Likely benign. Last evaluated: 2020-06-12. Review status: criteria provided, single submitter. Criteria: GeneDx Variant Classification Process June 2021. Collection method: clinical testing. Allele origin: germline. Affected: yes.

Clinical Genetics DNA and cytogenetics Diagnostics Lab, Erasmus MC, Erasmus Medical Center
Classification: Likely benign. Review status: no assertion criteria provided. Collection method: clinical testing. Allele origin: germline. Affected: yes. Study: VKGL Data-share Consensus. Not counted in ClinVar's aggregate classification.

Laboratory of Diagnostic Genome Analysis, Leiden University Medical Center (LUMC)
Classification: Likely benign. Review status: no assertion criteria provided. Collection method: clinical testing. Allele origin: germline. Affected: yes. Study: VKGL Data-share Consensus. Not counted in ClinVar's aggregate classification.

NM_000540.3(RYR1):c.7830C>T (p.Leu2610=)

Gene: RYR1 (ryanodine receptor 1; plus strand). Cytogenetic location: 19q13.2.
Variant type: single nucleotide variant.
Coding change: c.7830C>T on transcript NM_000540.3 (MANE Select); coding-DNA position 7830, C replaced by T.
Protein change: p.Leu2610=; no amino-acid change (leucine 2610 retained).
Molecular consequence: synonymous variant.
Genome position (GRCh38, 1-based): chr19:38,502,722, C>T. VCF-style: chr19-38502722-C-T. GRCh37 (hg19) VCF-style: chr19-38993362-C-T.
Other names: c.7830C>T, p.Leu2610= (NM_001042723.2).
Identifiers: ClinVar variation 384862 (VCV000384862.58), dbSNP rs140063541, ClinGen allele CA070361.